The following is an entry in ClinVar:

ClinVar aggregate classification (germline): Uncertain significance (1 of 4 stars; one submission).

Conditions:
Ataxia-telangiectasia syndrome (AT). Also called: LOUIS-BAR SYNDROME; Cerebello-oculocutaneous telangiectasia; Immunodeficiency with ataxia telangiectasia; Ataxia telangiectasia (A-T); Ataxia-telangiectasia, complementation group D; AT, COMPLEMENTATION GROUP C. Identifiers: Orphanet 100, MedGen C0004135, MONDO:0008840, OMIM 208900.

Submission:

Labcorp Genetics (formerly Invitae), Labcorp
Classification: Uncertain significance for Ataxia-telangiectasia syndrome. Last evaluated: 2024-04-10. Review status: criteria provided, single submitter. Criteria: Invitae Variant Classification Sherloc (09022015). Collection method: clinical testing. Allele origin: germline.
Comment: This sequence change replaces glycine, which is neutral and non-polar, with aspartic acid, which is acidic and polar, at codon 2917 of the ATM protein (p.Gly2917Asp). This variant is not present in population databases (gnomAD no frequency). This variant has not been reported in the literature in individuals affected with ATM-related conditions. An algorithm developed to predict the effect of missense changes on protein structure and function (PolyPhen-2) suggests that this variant is likely to be disruptive. In summary, the available evidence is currently insufficient to determine the role of this variant in disease. Therefore, it has been classified as a Variant of Uncertain Significance.

NM_000051.4(ATM):c.8750G>A (p.Gly2917Asp)

Genes: ATM (ATM serine/threonine kinase; plus strand), C11orf65 (chromosome 11 open reading frame 65; minus strand). Cytogenetic location: 11q22.3.
Variant type: single nucleotide variant.
Coding change: c.8750G>A on transcript NM_000051.4 (MANE Select); coding-DNA position 8750, G replaced by A.
Protein change: p.Gly2917Asp; replaces glycine 2917 with aspartic acid.
Molecular consequence: missense variant. On other transcripts: intron variant (2).
Genome position (GRCh38, 1-based): chr11:108,353,844, G>A. VCF-style: chr11-108353844-G-A. GRCh37 (hg19) VCF-style: chr11-108224571-G-A.
Other names: c.8750G>A, p.Gly2917Asp (NM_001351834.2); c.640+32076C>T (NM_001330368.2); c.695-18552C>T (NM_001351110.2); short protein forms G2917D.
Identifiers: ClinVar variation 2769677 (VCV002769677.3), dbSNP rs2137293476, ClinGen allele CA382524056.
Genomic context (GRCh38, chr11:108,353,844, plus strand): 5'-GCAAAATCCTTCCTACTCCTGAGACAGTTCCTTTTAGACTCACCAGAGATATTGTGGATG[G>A]CATGGGCATTACGGGTGTTGAAGGTGTCTTCAGAAGGTAAGTGATATGAAGTAAAGGAGG-3'
Protein context (NP_000042.3, residues 2907-2927): PFRLTRDIVD[Gly2917Asp]MGITGVEGVF